The following is an entry in ClinVar:

ClinVar aggregate classification (germline): Uncertain significance (1 of 4 stars; one submission).

gnomAD v4.1: 17 of 1,613,630 alleles (0.0011%); highest among the groups gnomAD compares: Non-Finnish European, 0.0014%; no homozygotes.

Submission:

Labcorp Genetics (formerly Invitae), Labcorp
Classification: Uncertain significance. Last evaluated: 2025-10-14. Review status: criteria provided, single submitter. Criteria: Invitae Variant Classification Sherloc (09022015). Collection method: clinical testing. Allele origin: germline.
Comment: This sequence change replaces proline, which is neutral and non-polar, with arginine, which is basic and polar, at codon 1070 of the GRM1 protein (p.Pro1070Arg). This variant is not present in population databases (gnomAD no frequency). This variant has not been reported in the literature in individuals affected with GRM1-related conditions. An algorithm developed to predict the effect of missense changes on protein structure and function (PolyPhen-2) suggests that this variant is likely to be tolerated. In summary, the available evidence is currently insufficient to determine the role of this variant in disease. Therefore, it has been classified as a Variant of Uncertain Significance.

NM_001278064.2(GRM1):c.3209C>G (p.Pro1070Arg)

Gene: GRM1 (glutamate metabotropic receptor 1; plus strand). Cytogenetic location: 6q24.3.
Variant type: single nucleotide variant.
Coding change: c.3209C>G on transcript NM_001278064.2 (MANE Select); coding-DNA position 3209, C replaced by G.
Protein change: p.Pro1070Arg; replaces proline 1070 with arginine.
Molecular consequence: missense variant. On other transcripts: 3 prime UTR variant (3).
Genome position (GRCh38, 1-based): chr6:146,434,420, C>G. VCF-style: chr6-146434420-C-G. GRCh37 (hg19) VCF-style: chr6-146755556-C-G.
Other names: c.*573C>G (NM_001278065.2); c.*538C>G (NM_001278066.1); c.*447C>G (NM_001278067.1); short protein forms P1070R.
Identifiers: ClinVar variation 4748703 (VCV004748703.1).